The following is an entry in ClinVar:

NM_001287491.2(TET3):c.4525C>T (p.Arg1509Ter)

Gene: TET3 (tet methylcytosine dioxygenase 3; plus strand). Cytogenetic location: 2p13.1.
Variant type: single nucleotide variant.
Coding change: c.4525C>T on transcript NM_001287491.2 (MANE Select); coding-DNA position 4525, C replaced by T.
Protein change: p.Arg1509Ter; replaces arginine 1509 with a stop codon.
Molecular consequence: nonsense.
Genome position (GRCh38, 1-based): chr2:74,101,313, C>T. VCF-style: chr2-74101313-C-T. GRCh37 (hg19) VCF-style: chr2-74328440-C-T.
Other names: c.4246C>T, p.Arg1416Ter (NM_001366022.1); c.4120C>T, p.Arg1374Ter (NM_144993.1); short protein forms R1374*, R1416*, R1509*.
Identifiers: ClinVar variation 3029821 (VCV003029821.3), dbSNP rs1314007418, ClinGen allele CA347320485.

ClinVar aggregate classification (germline): Likely pathogenic. Review status: criteria provided, single submitter (1 of 4 stars). 2 submissions from 2 submitters: Likely pathogenic (1). 1 of the submissions does not count toward it. Last evaluated 2025-11-11.

Conditions:
TET3-related disorder. Also called: TET3-Related Disease; TET3-related condition.
Beck-Fahrner syndrome (BEFAHRS). Identifiers: Orphanet 684216, MedGen C5394097, MONDO:0032922, OMIM 618798.

Allele frequency attached by ClinVar (database versions not stated): gnomAD exomes below 0.00001.
gnomAD v4.1: 1 of 1,613,358 alleles (0.000062%); highest among the groups gnomAD compares: Non-Finnish European, 0.000085%; no homozygotes.

Submissions (2):

Variantyx, Inc.
Classification: Likely pathogenic for Beck-Fahrner syndrome. Last evaluated: 2025-11-11. Review status: criteria provided, single submitter. Criteria: Variantyx Assertion Criteria 2022. Collection method: clinical testing. Allele origin: germline. Inheritance: Semidominant inheritance. Affected: yes.
Comment: This is a nonsense variant in the TET3 gene (OMIM: 613555). Pathogenic variants in this gene have been associated with autosomal semidominant Beck-Fahrner syndrome. This variant introduces a premature termination codon in exon 12 out of 12 and is expected to result in loss of function, which is a known disease mechanism for TET3 in this disorder (PMID: 37200470, 31928709) (PVS1). This variant has a 0.0001% maximum allele frequency in non-founder control populations (PM2), and it has not been reported in individuals with TET3-related disorders in the databases available for review. Based on the current evidence, this variant is classified as likely pathogenic for autosomal semidominant Beck-Fahrner syndrome.

PreventionGenetics, part of Exact Sciences
Classification: Likely pathogenic for TET3-related condition. Last evaluated: 2024-08-13. Review status: no assertion criteria provided. Collection method: clinical testing. Allele origin: germline. Not counted in ClinVar's aggregate classification.
Comment: The TET3 c.4525C>T variant is predicted to result in premature protein termination (p.Arg1509*). To our knowledge, this variant has not been reported in the literature or in a large population database, indicating this variant is rare. Although this variant resides in the last exon of the gene, and therefore may or may not undergo nonsense-mediated decay, other protein-truncating variants were previously reported 3' of this gene (see, for example, Beck et al. 2020. PubMed ID: 31928709; Fu et al. 2022. PubMed ID: 35982160, supplementary data 20; Zhou et al. 2022. PubMed ID: 35982159, supplementary data 1). Taken together, we classify this variant as likely pathogenic.

Literature cited by the submitters: PubMed 37200470 (cited by Variantyx, Inc.); PubMed 31928709 (cited by Variantyx, Inc.).